The following is an entry in ClinVar:

ClinVar aggregate classification (germline): Uncertain significance. Review status: criteria provided, multiple submitters, no conflicts (2 of 4 stars). 2 submissions from 2 submitters: Uncertain significance (2). Last evaluated 2025-07-28.

Conditions:
Cardiovascular phenotype. Identifiers: MedGen CN230736.
Hereditary cancer-predisposing syndrome. Also called: Neoplastic Syndromes, Hereditary; Tumor predisposition; Hereditary neoplastic syndrome; Hereditary Cancer Syndrome. Identifiers: Orphanet 140162, MedGen C0027672, MeSH D009386, MONDO:0015356.
Neurofibromatosis, type 1 (NF1). Also called: NEUROFIBROMATOSIS, TYPE I, SOMATIC; Neurofibromatosis, type I; VON RECKLINGHAUSEN DISEASE; Peripheral type neurofibromatosis. Identifiers: Orphanet 636, MedGen C0027831, MONDO:0018975, OMIM 162200. Disease mechanism: loss of function.

Submissions (2):

Ambry Genetics
Classification: Uncertain significance for Cardiovascular phenotype; Hereditary cancer-predisposing syndrome. Last evaluated: 2025-07-28. Review status: criteria provided, single submitter. Criteria: Ambry Variant Classification Scheme 2023. Collection method: clinical testing. Allele origin: germline.
Comment: The p.D973N variant (also known as c.2917G>A), located in coding exon 22 of the NF1 gene, results from a G to A substitution at nucleotide position 2917. The aspartic acid at codon 973 is replaced by asparagine, an amino acid with highly similar properties. This amino acid position is conserved. In addition, this alteration is predicted to be tolerated by in silico analysis. Based on the available evidence, the clinical significance of this variant remains unclear.

Labcorp Genetics (formerly Invitae), Labcorp
Classification: Uncertain significance for Neurofibromatosis, type 1. Last evaluated: 2021-05-05. Review status: criteria provided, single submitter. Criteria: Invitae Variant Classification Sherloc (09022015). Collection method: clinical testing. Allele origin: germline.
Comment: In summary, the available evidence is currently insufficient to determine the role of this variant in disease. Therefore, it has been classified as a Variant of Uncertain Significance. Algorithms developed to predict the effect of missense changes on protein structure and function are either unavailable or do not agree on the potential impact of this missense change (SIFT: "Tolerated"; PolyPhen-2: "Probably Damaging"; Align-GVGD: "Class C0"). This variant has not been reported in the literature in individuals with NF1-related conditions. This variant is not present in population databases (ExAC no frequency). This sequence change replaces aspartic acid with asparagine at codon 973 of the NF1 protein (p.Asp973Asn). The aspartic acid residue is moderately conserved and there is a small physicochemical difference between aspartic acid and asparagine.

NM_001042492.3(NF1):c.2917G>A (p.Asp973Asn)

Gene: NF1 (neurofibromin 1; plus strand). Cytogenetic location: 17q11.2.
Variant type: single nucleotide variant.
Coding change: c.2917G>A on transcript NM_001042492.3 (MANE Select); coding-DNA position 2917, G replaced by A.
Protein change: p.Asp973Asn; replaces aspartic acid 973 with asparagine.
Molecular consequence: missense variant.
Genome position (GRCh38, 1-based): chr17:31,229,901, G>A. VCF-style: chr17-31229901-G-A. GRCh37 (hg19) VCF-style: chr17-29556919-G-A.
Other names: c.2917G>A, p.Asp973Asn (NM_000267.4); short protein forms D973N.
Identifiers: ClinVar variation 1493774 (VCV001493774.9), dbSNP rs2151430652, ClinGen allele CA398986186.